The following is an entry in ClinVar:

ClinVar aggregate classification (germline): Uncertain significance (1 of 4 stars; one submission).

gnomAD v4.1: 8 of 1,613,896 alleles (0.0005%); highest among the groups gnomAD compares: Non-Finnish European, 0.00068%; no homozygotes.

Submission:

GeneDx
Classification: Uncertain significance. Last evaluated: 2024-11-14. Review status: criteria provided, single submitter. Criteria: GeneDx Variant Classification Process June 2021. Collection method: clinical testing. Allele origin: germline. Affected: yes.
Comment: Not observed at significant frequency in large population cohorts (gnomAD); In silico analysis supports that this missense variant has a deleterious effect on protein structure/function; Has not been previously published as pathogenic or benign to our knowledge

NM_021096.4(CACNA1I):c.4429C>T (p.Arg1477Trp)

Gene: CACNA1I (calcium voltage-gated channel subunit alpha1 I; plus strand). Cytogenetic location: 22q13.1.
Variant type: single nucleotide variant.
Coding change: c.4429C>T on transcript NM_021096.4 (MANE Select); coding-DNA position 4429, C replaced by T.
Protein change: p.Arg1477Trp; replaces arginine 1477 with tryptophan.
Molecular consequence: missense variant.
Genome position (GRCh38, 1-based): chr22:39,670,844, C>T. VCF-style: chr22-39670844-C-T. GRCh37 (hg19) VCF-style: chr22-40066849-C-T.
Other names: c.4324C>T, p.Arg1442Trp (NM_001003406.2); short protein forms R1442W, R1477W.
Identifiers: ClinVar variation 3899548 (VCV003899548.1).